The following is an entry in ClinVar:

NC_000015.9:g.(?_40322540)_(40326665_?)del

Gene: EIF2AK4 (eukaryotic translation initiation factor 2 alpha kinase 4; plus strand). Cytogenetic location: 15q15.1.
Variant type: Deletion.
Identifiers: ClinVar variation 2423468 (VCV002423468.2).

ClinVar aggregate classification (germline): Uncertain significance (1 of 4 stars; one submission).

Submission:

Labcorp Genetics (formerly Invitae), Labcorp
Classification: Uncertain significance. Last evaluated: 2022-08-07. Review status: criteria provided, single submitter. Criteria: Invitae Variant Classification Sherloc (09022015). Collection method: clinical testing. Allele origin: germline.
Comment: In summary, the available evidence is currently insufficient to determine the role of this variant in disease. Therefore, it has been classified as a Variant of Uncertain Significance. This variant disrupts a region of the EIF2AK4 protein in which other variant(s) (p.Leu1579Pro) have been observed in individuals with EIF2AK4-related conditions (PMID: 32471403). This suggests that this is a clinically significant region of the protein, and that variants that disrupt it are likely to be disease-causing. A similar copy number variant has been observed in individual(s) with EIF2AK4-related conditions (Invitae). This variant is a gross deletion of the genomic region encompassing exon(s) 35-38 of the EIF2AK4 gene. While this deletion is not anticipated to lead to nonsense mediated decay, it is expected to disrupt the C-terminus of the protein.

Literature cited by the submitters: PubMed 32471403.